The following is an entry in ClinVar:

NM_133642.5(LARGE1):c.118G>C (p.Val40Leu)

Gene: LARGE1 (LARGE xylosyl- and glucuronyltransferase 1; minus strand). Cytogenetic location: 22q12.3.
Variant type: single nucleotide variant.
Coding change: c.118G>C on transcript NM_133642.5 (MANE Select); coding-DNA position 118, G replaced by C.
Protein change: p.Val40Leu; replaces valine 40 with leucine.
Molecular consequence: missense variant.
Genome position (GRCh38, 1-based): chr22:33,650,657, C>G on the plus strand (G>C on the coding strand, the complement: LARGE1 is on the minus strand). VCF-style: chr22-33650657-C-G. GRCh37 (hg19) VCF-style: chr22-34046643-C-G.
Other names: c.118G>C (NM_004737.6); c.118G>C, p.Val40Leu (NM_001362949.2, NM_001362951.2, NM_001362953.2 and 7 more transcripts); short protein forms V40L.
Identifiers: ClinVar variation 1024093 (VCV001024093.7), dbSNP rs188675457, ClinGen allele CA10203153.

ClinVar aggregate classification (germline): Uncertain significance. Review status: criteria provided, multiple submitters, no conflicts (2 of 4 stars). 3 submissions from 3 submitters: Uncertain significance (3). Last evaluated 2024-08-09.

Conditions:
Muscular dystrophy-dystroglycanopathy type B6 (MDDGB6). Also called: MUSCULAR DYSTROPHY, CONGENITAL, LARGE-RELATED; MUSCULAR DYSTROPHY, CONGENITAL, TYPE 1D; MUSCULAR DYSTROPHY-DYSTROGLYCANOPATHY (CONGENITAL WITH IMPAIRED INTELLECTUAL DEVELOPMENT), TYPE B, 6. Identifiers: MedGen C1837229, MONDO:0012138, OMIM 608840.

Allele frequency attached by ClinVar (database versions not stated): TOPMed 0.00001; 1000 Genomes Project 0.00060; 1000 Genomes Project 30x 0.00062.
gnomAD v4.1: 39 of 1,600,820 alleles (0.0024%); highest among the groups gnomAD compares: Admixed American, 0.03%; no homozygotes.

Submissions (3):

Revvity Omics, Revvity
Classification: Uncertain significance. Last evaluated: 2024-08-09. Review status: criteria provided, single submitter. Criteria: ACMG Guidelines, 2015. Collection method: clinical testing. Allele origin: germline.

Labcorp Genetics (formerly Invitae), Labcorp
Classification: Uncertain significance for Muscular dystrophy-dystroglycanopathy type B6. Last evaluated: 2024-04-13. Review status: criteria provided, single submitter. Criteria: Invitae Variant Classification Sherloc (09022015). Collection method: clinical testing. Allele origin: germline.
Comment: This sequence change replaces valine, which is neutral and non-polar, with leucine, which is neutral and non-polar, at codon 40 of the LARGE1 protein (p.Val40Leu). This variant is present in population databases (rs188675457, gnomAD 0.02%). This variant has not been reported in the literature in individuals affected with LARGE1-related conditions. ClinVar contains an entry for this variant (Variation ID: 1024093). An algorithm developed to predict the effect of missense changes on protein structure and function (PolyPhen-2) suggests that this variant¬†is likely to be tolerated. In summary, the available evidence is currently insufficient to determine the role of this variant in disease. Therefore, it has been classified as a Variant of Uncertain Significance.

GeneDx
Classification: Uncertain significance. Last evaluated: 2020-01-15. Review status: criteria provided, single submitter. Criteria: GeneDx Variant Classification Process June 2021. Collection method: clinical testing. Allele origin: germline. Affected: yes.
Comment: In silico analysis, which includes protein predictors and evolutionary conservation, supports that this variant does not alter protein structure/function; Has not been previously published as pathogenic or benign to our knowledge